The following is an entry in ClinVar:

ClinVar aggregate classification (germline): Uncertain significance (1 of 4 stars; one submission).

Conditions:
Inborn genetic diseases. Identifiers: MedGen C0950123, MeSH D030342.

Allele frequency attached by ClinVar (database versions not stated): TOPMed below 0.00001; gnomAD 0.00001.
gnomAD v4.1: 1 of 1,614,040 alleles (0.000062%); highest among the groups gnomAD compares: African/African-American, 0.0013%; no homozygotes.

Submission:

Ambry Genetics
Classification: Uncertain significance for Inborn genetic diseases. Last evaluated: 2023-12-21. Review status: criteria provided, single submitter. Criteria: Ambry Variant Classification Scheme 2023. Collection method: clinical testing. Allele origin: germline.
Comment: The p.I911V variant (also known as c.2731A>G), located in coding exon 19 of the MIB1 gene, results from an A to G substitution at nucleotide position 2731. The isoleucine at codon 911 is replaced by valine, an amino acid with highly similar properties. This amino acid position is conserved. In addition, this alteration is predicted to be tolerated by in silico analysis. Since supporting evidence is limited at this time, the clinical significance of this alteration remains unclear.

NM_020774.4(MIB1):c.2731A>G (p.Ile911Val)

Gene: MIB1 (MIB E3 ubiquitin protein ligase 1; plus strand). Cytogenetic location: 18q11.2.
Variant type: single nucleotide variant.
Coding change: c.2731A>G on transcript NM_020774.4 (MANE Select); coding-DNA position 2731, A replaced by G.
Protein change: p.Ile911Val; replaces isoleucine 911 with valine.
Molecular consequence: missense variant.
Genome position (GRCh38, 1-based): chr18:21,857,195, A>G. VCF-style: chr18-21857195-A-G. GRCh37 (hg19) VCF-style: chr18-19437156-A-G.
Other names: short protein forms I911V.
Identifiers: ClinVar variation 3227421 (VCV003227421.1), dbSNP rs765704566, ClinGen allele CA401797571.